The following is an entry in ClinVar:

NM_133497.4(KCNV2):c.1459A>G (p.Met487Val)

Gene: KCNV2 (potassium voltage-gated channel modifier subfamily V member 2; plus strand). Cytogenetic location: 9p24.2.
Variant type: single nucleotide variant.
Coding change: c.1459A>G on transcript NM_133497.4 (MANE Select); coding-DNA position 1459, A replaced by G.
Protein change: p.Met487Val; replaces methionine 487 with valine.
Molecular consequence: missense variant.
Genome position (GRCh38, 1-based): chr9:2,729,548, A>G. VCF-style: chr9-2729548-A-G. GRCh37 (hg19) VCF-style: chr9-2729548-A-G.
Other names: short protein forms M487V.
Identifiers: ClinVar variation 955211 (VCV000955211.9), dbSNP rs1461711190, ClinGen allele CA372803500.
Genomic context (GRCh38, chr9:2,729,548, plus strand): 5'-ACCCACCTGGGCAGGTTTTTTGCCTTCCTCTGCATTGCTTTTGGGATCATTCTCAACGGG[A>G]TGCCCATTTCCATCCTCTACAACAAGTTTTCTGATTACTACAGCAAGCTGAAGGCTTATG-3'
Protein context (NP_598004.1, residues 477-497): CIAFGIILNG[Met487Val]PISILYNKFS

ClinVar aggregate classification (germline): Uncertain significance (1 of 4 stars; one submission).

Allele frequency attached by ClinVar (database versions not stated): TOPMed below 0.00001; gnomAD 0.00001.

Submission:

Labcorp Genetics (formerly Invitae), Labcorp
Classification: Uncertain significance. Last evaluated: 2019-10-29. Review status: criteria provided, single submitter. Criteria: Invitae Variant Classification Sherloc (09022015). Collection method: clinical testing. Allele origin: germline.
Comment: This variant has not been reported in the literature in individuals with KCNV2-related conditions. This sequence change replaces methionine with valine at codon 487 of the KCNV2 protein (p.Met487Val). The methionine residue is highly conserved and there is a small physicochemical difference between methionine and valine. This variant is not present in population databases (ExAC no frequency). Algorithms developed to predict the effect of missense changes on protein structure and function are either unavailable or do not agree on the potential impact of this missense change (SIFT: "Deleterious"; PolyPhen-2: "Possibly Damaging"; Align-GVGD: "Class C0"). In summary, the available evidence is currently insufficient to determine the role of this variant in disease. Therefore, it has been classified as a Variant of Uncertain Significance.